The following is an entry in ClinVar:

ClinVar aggregate classification (germline): Uncertain significance. Review status: criteria provided, multiple submitters, no conflicts (2 of 4 stars). 7 submissions from 7 submitters: Uncertain significance (7). Last evaluated 2025-09-29.

Conditions:
Mitochondrial complex V (ATP synthase) deficiency, nuclear type 1. Also called: Nuclear-Encoded ATPase Deficiency, ATPAF2-Related; MITOCHONDRIAL COMPLEX V (ATP SYNTHASE) DEFICIENCY, ATPAF2 TYPE. Identifiers: Orphanet 254913, MedGen C3276276, MONDO:0011421, OMIM 604273.

Allele frequency attached by ClinVar (database versions not stated): gnomAD exomes 0.00026; ExAC 0.00027; gnomAD 0.00038 and 0.00040; TOPMed 0.00046; ESP Exome Variant Server 0.00062.

Submissions (7):

Labcorp Genetics (formerly Invitae), Labcorp
Classification: Uncertain significance. Last evaluated: 2025-09-29. Review status: criteria provided, single submitter. Criteria: Invitae Variant Classification Sherloc (09022015). Collection method: clinical testing. Allele origin: germline.
Comment: This sequence change replaces arginine, which is basic and polar, with glycine, which is neutral and non-polar, at codon 14 of the ATPAF2 protein (p.Arg14Gly). This variant is present in population databases (rs143241583, gnomAD 0.05%), and has an allele count higher than expected for a pathogenic variant. This variant has not been reported in the literature in individuals affected with ATPAF2-related conditions. ClinVar contains an entry for this variant (Variation ID: 214135). An algorithm developed to predict the effect of missense changes on protein structure and function outputs the following: PolyPhen-2: "Benign". The glycine amino acid residue is found in multiple mammalian species, which suggests that this missense change does not adversely affect protein function. In summary, the available evidence is currently insufficient to determine the role of this variant in disease. Therefore, it has been classified as a Variant of Uncertain Significance.

GeneDx
Classification: Uncertain significance. Last evaluated: 2025-01-22. Review status: criteria provided, single submitter. Criteria: GeneDx Variant Classification Process June 2021. Collection method: clinical testing. Allele origin: germline. Affected: yes.
Comment: In silico analysis indicates that this missense variant does not alter protein structure/function; Has not been previously published as pathogenic or benign to our knowledge

Ambry Genetics
Classification: Uncertain significance. Last evaluated: 2024-11-26. Review status: criteria provided, single submitter. Criteria: Ambry Variant Classification Scheme 2023. Collection method: clinical testing. Allele origin: germline.

Baylor Genetics
Classification: Uncertain significance for Mitochondrial complex V (ATP synthase) deficiency, nuclear type 1. Last evaluated: 2018-05-11. Review status: criteria provided, single submitter. Criteria: ACMG Guidelines, 2015. Collection method: clinical testing. Allele origin: paternal. Affected: yes.
Comment: This variant was determined to be of uncertain significance according to ACMG Guidelines, 2015 [PMID:25741868].

Eurofins Ntd Llc (ga)
Classification: Uncertain significance. Last evaluated: 2018-04-02. Review status: criteria provided, single submitter. Criteria: EGL ClinVar v180209 classification definitions. Collection method: clinical testing. Allele origin: germline. Observed: 1 variant allele, 1 heterozygote.

Illumina Laboratory Services, Illumina
Classification: Uncertain significance for Mitochondrial complex V (ATP synthase) deficiency, nuclear type 1. Last evaluated: 2018-01-13. Review status: criteria provided, single submitter. Criteria: ICSL Variant Classification Criteria 13 December 2019. Collection method: clinical testing. Allele origin: germline.

Center for Pediatric Genomic Medicine, Children's Mercy Hospital and Clinics
Classification: Uncertain significance. Last evaluated: 2016-05-05. Review status: criteria provided, single submitter. Criteria: ACMG Guidelines, 2015. Collection method: clinical testing. Allele origin: germline.
ClinVar note: Converted during submission from Uncertain Significance to Uncertain significance.

NM_145691.4(ATPAF2):c.40C>G (p.Arg14Gly)

Gene: ATPAF2 (ATP synthase mitochondrial F1 complex assembly factor 2; minus strand). Cytogenetic location: 17p11.2.
Variant type: single nucleotide variant.
Coding change: c.40C>G on transcript NM_145691.4 (MANE Select); coding-DNA position 40, C replaced by G.
Protein change: p.Arg14Gly; replaces arginine 14 with glycine.
Molecular consequence: missense variant.
Genome position (GRCh38, 1-based): chr17:18,038,974, G>C on the plus strand (C>G on the coding strand, the complement: ATPAF2 is on the minus strand). VCF-style: chr17-18038974-G-C. GRCh37 (hg19) VCF-style: chr17-17942288-G-C.
Other names: short protein forms R14G.
Identifiers: ClinVar variation 214135 (VCV000214135.22), dbSNP rs143241583, ClinGen allele CA321441.